The following is an entry in ClinVar:

NM_000492.4(CFTR):c.1349G>T (p.Arg450Ile)

Genes: CFTR (CF transmembrane conductance regulator; plus strand), CFTR-AS1 (CFTR antisense RNA 1; minus strand). Cytogenetic location: 7q31.2.
Variant type: single nucleotide variant.
Coding change: c.1349G>T on transcript NM_000492.4 (MANE Select); coding-DNA position 1349, G replaced by T.
Protein change: p.Arg450Ile; replaces arginine 450 with isoleucine.
Molecular consequence: missense variant.
Genome position (GRCh38, 1-based): chr7:117,548,780, G>T. VCF-style: chr7-117548780-G-T. GRCh37 (hg19) VCF-style: chr7-117188834-G-T.
Other names: short protein forms R450I.
Identifiers: ClinVar variation 1770553 (VCV001770553.4), dbSNP rs1334881836, ClinGen allele CA368982249.
Genomic context (GRCh38, chr7:117,548,780, plus strand): 5'-TCAGTAATTTCTCACTTCTTGGTACTCCTGTCCTGAAAGATATTAATTTCAAGATAGAAA[G>T]AGGACAGTTGTTGGCGGTTGCTGGATCCACTGGAGCAGGCAAGGTAGTTCTTTTGTTCTT-3'
Protein context (NP_000483.3, residues 440-460): VLKDINFKIE[Arg450Ile]GQLLAVAGST

ClinVar aggregate classification (germline): Uncertain significance. Review status: criteria provided, multiple submitters, no conflicts (2 of 4 stars). 2 submissions from 2 submitters: Uncertain significance (2). Last evaluated 2023-06-12.

Conditions:
Cystic fibrosis (CF). Also called: MUCOVISCIDOSIS. Identifiers: Orphanet 586, MedGen C0010674, MONDO:0009061, OMIM 219700. Disease mechanism: loss of function.

Allele frequency attached by ClinVar (database versions not stated): gnomAD exomes below 0.00001; TOPMed 0.00002; gnomAD 0.00001.
gnomAD v4.1: 3 of 1,612,286 alleles (0.00019%); highest among the groups gnomAD compares: African/African-American, 0.0027%; no homozygotes.

Submissions (2):

ARUP Laboratories, Molecular Genetics and Genomics, ARUP Laboratories
Classification: Uncertain significance. Last evaluated: 2023-06-12. Review status: criteria provided, single submitter. Criteria: ARUP Molecular Germline Variant Investigation Process 2024. Collection method: clinical testing. Allele origin: germline.
Comment: The CFTR c.1349G>T; p.Arg450Ile variant (rs1334881836), to our knowledge, is not reported in the medical literature but is reported in ClinVar (Variation ID: 1770553). This variant is only observed on two alleles in the Genome Aggregation Database, indicating it is not a common polymorphism. Computational analyses are uncertain whether this variant is neutral or deleterious (REVEL: 0.42). Due to limited information, the clinical significance of this variant is uncertain at this time.

Ambry Genetics
Classification: Uncertain significance for Cystic fibrosis. Last evaluated: 2023-05-26. Review status: criteria provided, single submitter. Criteria: Ambry Variant Classification Scheme 2023. Collection method: clinical testing. Allele origin: germline.
Comment: The p.R450I variant (also known as c.1349G>T), located in coding exon 10 of the CFTR gene, results from a G to T substitution at nucleotide position 1349. The arginine at codon 450 is replaced by isoleucine, an amino acid with similar properties. This amino acid position is poorly conserved in available vertebrate species. In addition, the in silico prediction for this alteration is inconclusive. Since supporting evidence is limited at this time, the clinical significance of this alteration remains unclear.